The following is an entry in ClinVar:

NM_005612.5(REST):c.2817G>C (p.Gln939His)

Gene: REST (RE1 silencing transcription factor; plus strand). Cytogenetic location: 4q12.
Variant type: single nucleotide variant.
Coding change: c.2817G>C on transcript NM_005612.5 (MANE Select); coding-DNA position 2817, G replaced by C.
Protein change: p.Gln939His; replaces glutamine 939 with histidine.
Molecular consequence: missense variant.
Genome position (GRCh38, 1-based): chr4:56,931,675, G>C. VCF-style: chr4-56931675-G-C. GRCh37 (hg19) VCF-style: chr4-57797841-G-C.
Other names: c.2817G>C, p.Gln939His (NM_001193508.2, NM_001363453.3); short protein forms Q939H.
Identifiers: ClinVar variation 1448961 (VCV001448961.8), dbSNP rs1720981067, ClinGen allele CA357009596.
Genomic context (GRCh38, chr4:56,931,675, plus strand): 5'-TTCATCCTCTGGACAAAACTTGAATACGCCAGAGGGTGAAACTTTAAATGGTAAACATCA[G>C]ACTGACAGTATAGTTTGTGAAATGAAAATGGACACTGATCAGAACACAAGAGAGAATCTC-3'
Protein context (NP_005603.3, residues 929-949): PEGETLNGKH[Gln939His]TDSIVCEMKM

ClinVar aggregate classification (germline): Uncertain significance (1 of 4 stars; one submission).

Allele frequency attached by ClinVar (database versions not stated): gnomAD exomes below 0.00001; gnomAD 0.00001; TOPMed 0.00001.
gnomAD v4.1: 5 of 1,614,108 alleles (0.00031%); highest among the groups gnomAD compares: Non-Finnish European, 0.00042%; no homozygotes.

Submission:

Labcorp Genetics (formerly Invitae), Labcorp
Classification: Uncertain significance. Last evaluated: 2024-09-12. Review status: criteria provided, single submitter. Criteria: Invitae Variant Classification Sherloc (09022015). Collection method: clinical testing. Allele origin: germline.
Comment: This sequence change replaces glutamine, which is neutral and polar, with histidine, which is basic and polar, at codon 939 of the REST protein (p.Gln939His). This variant is not present in population databases (gnomAD no frequency). This variant has not been reported in the literature in individuals affected with REST-related conditions. ClinVar contains an entry for this variant (Variation ID: 1448961). An algorithm developed to predict the effect of missense changes on protein structure and function (PolyPhen-2) suggests that this variant is likely to be tolerated. In summary, the available evidence is currently insufficient to determine the role of this variant in disease. Therefore, it has been classified as a Variant of Uncertain Significance.